The following is an entry in ClinVar:

NM_016123.4(IRAK4):c.1135G>T (p.Glu379Ter)

Gene: IRAK4 (interleukin 1 receptor associated kinase 4; plus strand). Cytogenetic location: 12q12.
Variant type: single nucleotide variant.
Coding change: c.1135G>T on transcript NM_016123.4 (MANE Select); coding-DNA position 1135, G replaced by T.
Protein change: p.Glu379Ter; replaces glutamic acid 379 with a stop codon.
Molecular consequence: nonsense.
Genome position (GRCh38, 1-based): chr12:43,783,671, G>T. VCF-style: chr12-43783671-G-T. GRCh37 (hg19) VCF-style: chr12-44177474-G-T.
Other names: c.1135G>T, p.Glu379Ter (NM_001114182.3, NM_001351345.2); c.763G>T, p.Glu255Ter (NM_001145256.2, NM_001145257.2, NM_001145258.2 and 5 more transcripts); c.526G>T, p.Glu176Ter (NM_001351343.2, NM_001351344.2); short protein forms E255*, E379*, E176*.
Identifiers: ClinVar variation 1456107 (VCV001456107.6), dbSNP rs1429128979, ClinGen allele CA384477301.

ClinVar aggregate classification (germline): Pathogenic (1 of 4 stars; one submission).

Conditions:
Immunodeficiency 67. Also called: Immunodeficiency due to interleukin-1 receptor-associated kinase-4 deficiency. Identifiers: Orphanet 70592, MedGen C1843256, MONDO:0011888, OMIM 607676.

Submission:

Labcorp Genetics (formerly Invitae), Labcorp
Classification: Pathogenic for Immunodeficiency 67. Last evaluated: 2023-04-11. Review status: criteria provided, single submitter. Criteria: Invitae Variant Classification Sherloc (09022015). Collection method: clinical testing. Allele origin: germline.
Comment: This variant has not been reported in the literature in individuals affected with IRAK4-related conditions. For these reasons, this variant has been classified as Pathogenic. ClinVar contains an entry for this variant (Variation ID: 1456107). This variant is not present in population databases (gnomAD no frequency). This sequence change creates a premature translational stop signal (p.Glu379*) in the IRAK4 gene. It is expected to result in an absent or disrupted protein product. Loss-of-function variants in IRAK4 are known to be pathogenic (PMID: 17893200, 21057262).

Literature cited by the submitters: PubMed 17893200; PubMed 21057262.